The following is an entry in ClinVar:

NM_000152.5(GAA):c.1888+2_1888+15del

Gene: GAA (alpha glucosidase; plus strand). Cytogenetic location: 17q25.3.
Variant type: Deletion.
Coding change: c.1888+2_1888+15del on transcript NM_000152.5 (MANE Select); the canonical splice donor site of the intron after coding-DNA position 1888 through 15 bases into the intron after coding-DNA position 1888, 14 bases deleted (TGAGCTCCTACCAG).
Molecular consequence: splice donor variant.
Genome position (GRCh38, 1-based): chr17:80,112,713-80,112,726, TGAGCTCCTACCAG deleted; deleting any 14 consecutive bases within chr17:80,112,712-80,112,726 gives the same sequence; the c. name uses the placement nearest the transcript's 3' end. VCF-style (leftmost placement, unchanged base first): chr17-80112711-GGTGAGCTCCTACCA-G. GRCh37 (hg19) VCF-style: chr17-78086510-GGTGAGCTCCTACCA-G.
Other names: c.1888+2_1888+15del (NM_001406741.1, NM_001406742.1, NM_001079803.3 and 1 more transcripts).
Identifiers: ClinVar variation 4876347 (VCV004876347.1).

ClinVar aggregate classification (germline): Pathogenic (1 of 4 stars; one submission).

Conditions:
Glycogen storage disease, type II (IOPD). Also called: Pompe Disease; CARDIOMEGALIA GLYCOGENICA DIFFUSA; GLYCOGENOSIS, GENERALIZED, CARDIAC FORM; GSD II; POMPE DISEASE, INFANTILE-ONSET; GLYCOGEN STORAGE DISEASE II, INFANTILE-ONSET. Identifiers: Orphanet 365, MedGen C0017921, MONDO:0009290, OMIM 232300.

Submission:

Genomenon, Inc
Classification: Pathogenic for Glycogen storage disease, type II. Last evaluated: 2026-07-01. Review status: criteria provided, single submitter. Criteria: Genomenon Sequence Variant Interpretation Standards - Updated. Collection method: curation. Allele origin: germline. Affected: yes.
Comment: GAA c.1888+2_1888+15del is a deletion that affects the donor splice site of intron 13. It is predicted to affect mRNA splicing, leading to a deleterious effect on the GAA protein. This variant has been observed in at least one proband with a GAA-related disorder (PMID:31606152). It is absent or not present at a significant frequency in gnomAD. In conclusion, we classify GAA c.1888+2_1888+15del as a pathogenic variant.

Literature cited by the submitters: PubMed 31606152.